The following is an entry in ClinVar:

NM_139058.3(ARX):c.253C>G (p.Leu85Val)

Gene: ARX (aristaless related homeobox; minus strand). Cytogenetic location: Xp21.3.
Variant type: single nucleotide variant.
Coding change: c.253C>G on transcript NM_139058.3 (MANE Select); coding-DNA position 253, C replaced by G.
Protein change: p.Leu85Val; replaces leucine 85 with valine.
Molecular consequence: missense variant.
Genome position (GRCh38, 1-based): chrX:25,013,742, G>C on the plus strand (C>G on the coding strand, the complement: ARX is on the minus strand). VCF-style: chrX-25013742-G-C. GRCh37 (hg19) VCF-style: chrX-25031859-G-C.
Other names: short protein forms L85V.
Identifiers: ClinVar variation 3372350 (VCV003372350.1).

ClinVar aggregate classification (germline): Uncertain significance (1 of 4 stars; one submission).

Submission:

GeneDx
Classification: Uncertain significance. Last evaluated: 2024-04-10. Review status: criteria provided, single submitter. Criteria: GeneDx Variant Classification Process June 2021. Collection method: clinical testing. Allele origin: germline. Affected: yes.
Comment: Not observed at significant frequency in large population cohorts (gnomAD); In silico analysis indicates that this missense variant does not alter protein structure/function; Has not been previously published as pathogenic or benign to our knowledge; This variant is associated with the following publications: (PMID: 20300201)